The following is an entry in ClinVar:

ClinVar aggregate classification (germline): Uncertain significance (1 of 4 stars; one submission).

Conditions:
Inborn genetic diseases. Identifiers: MedGen C0950123, MeSH D030342.

Submission:

Ambry Genetics
Classification: Uncertain significance for Inborn genetic diseases. Last evaluated: 2024-10-04. Review status: criteria provided, single submitter. Criteria: Ambry Variant Classification Scheme 2023. Collection method: clinical testing. Allele origin: germline.
Comment: The p.P878L variant (also known as c.2633C>T), located in coding exon 15 of the RECQL4 gene, results from a C to T substitution at nucleotide position 2633. The proline at codon 878 is replaced by leucine, an amino acid with similar properties. This amino acid position is conserved. In addition, this alteration is predicted to be tolerated by in silico analysis. Based on the available evidence, the clinical significance of this variant remains unclear.

NM_004260.4(RECQL4):c.2633C>T (p.Pro878Leu)

Gene: RECQL4 (RecQ like helicase 4; minus strand). Cytogenetic location: 8q24.3.
Variant type: single nucleotide variant.
Coding change: c.2633C>T on transcript NM_004260.4 (MANE Select); coding-DNA position 2633, C replaced by T.
Protein change: p.Pro878Leu; replaces proline 878 with leucine.
Molecular consequence: missense variant. On other transcripts: non-coding transcript variant (3).
Genome position (GRCh38, 1-based): chr8:144,512,969, G>A on the plus strand (C>T on the coding strand, the complement: RECQL4 is on the minus strand). VCF-style: chr8-144512969-G-A. GRCh37 (hg19) VCF-style: chr8-145738352-G-A.
Other names: c.2339C>T, p.Pro780Leu (NM_001413017.1); c.2435C>T, p.Pro812Leu (NM_001413018.1); c.2633C>T, p.Pro878Leu (NM_001413019.1, NM_001413036.1); c.2537C>T, p.Pro846Leu (NM_001413020.1); c.1562C>T, p.Pro521Leu (NM_001413021.1, NM_001413022.1, NM_001413023.1 and 5 more transcripts); c.2504C>T, p.Pro835Leu (NM_001413025.1); c.1496C>T, p.Pro499Leu (NM_001413027.1, NM_001413030.1, NM_001413032.1 and 1 more transcripts); c.2282C>T, p.Pro761Leu (NM_001413029.1); and 6 more; short protein forms P477L, P521L, P761L, P499L, P389L, P455L, P812L, P835L.
Identifiers: ClinVar variation 3431842 (VCV003431842.1).
Genomic context (GRCh38, chr8:144,512,969, plus strand): 5'-ATGCAGACCCTTCTGGGTCCTGGGGCTGCTTGGTGGCTAAGCTGCTCAGCCTCTTGAGGG[G>A]GGTACTTGGGCACAGGCCTCTCCCCACCCACGGCCCCTTCCTGCTCCGAGGGCGGCCTGG-3'
Protein context (NP_004251.4, residues 868-888): VGGERPVPKY[Pro878Leu]PQEAEQLSHQ